The following is an entry in ClinVar:

ClinVar aggregate classification (germline): Conflicting classifications of pathogenicity. Review status: criteria provided, conflicting classifications (1 of 4 stars). 4 submissions from 4 submitters: Uncertain significance (1); Likely benign (2). 1 of the submissions does not count toward it. Last evaluated 2026-01-12.

Conditions:
KMT2D-related disorder. Also called: KMT2D-Related Disorders.
Kabuki syndrome. Also called: NIIKAWA-KUROKI SYNDROME; Kabuki make-up syndrome. Identifiers: Orphanet 2322, MedGen C0796004, MONDO:0016512.

Allele frequency attached by ClinVar (database versions not stated): gnomAD 0.00001; gnomAD exomes 0.00002 and 0.00001; TOPMed below 0.00001; ExAC 0.00003.
gnomAD v4.1: 15 of 1,613,640 alleles (0.00093%); highest among the groups gnomAD compares: Admixed American, 0.012%; no homozygotes.

Submissions (4):

Labcorp Genetics (formerly Invitae), Labcorp
Classification: Likely benign for Kabuki syndrome. Last evaluated: 2026-01-12. Review status: criteria provided, single submitter. Criteria: Invitae Variant Classification Sherloc (09022015). Collection method: clinical testing. Allele origin: germline.

GeneDx
Classification: Likely benign. Last evaluated: 2020-11-09. Review status: criteria provided, single submitter. Criteria: GeneDx Variant Classification Process June 2021. Collection method: clinical testing. Allele origin: germline. Affected: yes.
Comment: In silico analysis supports that this missense variant has a deleterious effect on protein structure/function; Has not been previously published as pathogenic or benign to our knowledge

Eurofins Ntd Llc (ga)
Classification: Uncertain significance. Last evaluated: 2012-10-09. Review status: criteria provided, single submitter. Criteria: EGL Classification Definitions 2015. Collection method: clinical testing. Allele origin: germline. Observed: 1 variant allele, 1 heterozygote.

PreventionGenetics, part of Exact Sciences
Classification: Likely benign for KMT2D-related condition. Last evaluated: 2023-02-15. Review status: no assertion criteria provided. Collection method: clinical testing. Allele origin: germline. Not counted in ClinVar's aggregate classification.
Comment: This variant is classified as likely benign based on ACMG/AMP sequence variant interpretation guidelines (Richards et al. 2015 PMID: 25741868, with internal and published modifications).

NM_003482.4(KMT2D):c.8288C>T (p.Pro2763Leu)

Gene: KMT2D (lysine methyltransferase 2D; minus strand). Cytogenetic location: 12q13.12.
Variant type: single nucleotide variant.
Coding change: c.8288C>T on transcript NM_003482.4 (MANE Select); coding-DNA position 8288, C replaced by T.
Protein change: p.Pro2763Leu; replaces proline 2763 with leucine.
Molecular consequence: missense variant.
Genome position (GRCh38, 1-based): chr12:49,039,300, G>A on the plus strand (C>T on the coding strand, the complement: KMT2D is on the minus strand). VCF-style: chr12-49039300-G-A. GRCh37 (hg19) VCF-style: chr12-49433083-G-A.
Other names: short protein forms P2763L.
Identifiers: ClinVar variation 94259 (VCV000094259.19), dbSNP rs398123762, ClinGen allele CA222116.
Genomic context (GRCh38, chr12:49,039,300, plus strand): 5'-GAGGAAGGCGTGGCTGGTGGAGGTGGCCGGGAGAGTCGGTCATCGCTAGGGAAGGACCCT[G>A]GCCCCAGGATGGGGCCACTCAGCTTGCTTGGGGGCAACCCCACAAGGCTGCTCTTGTCCT-3'
Protein context (NP_003473.3, residues 2753-2773): PSKLSGPILG[Pro2763Leu]GSFPSDDRLS